The following is an entry in ClinVar:

ClinVar aggregate classification (germline): Uncertain significance. Review status: criteria provided, multiple submitters, no conflicts (2 of 4 stars). 5 submissions from 4 submitters: Uncertain significance (5). Last evaluated 2024-11-13.

Conditions:
Hereditary cancer-predisposing syndrome. Also called: Tumor predisposition; Hereditary Cancer Syndrome; Hereditary neoplastic syndrome; Neoplastic Syndromes, Hereditary. Identifiers: Orphanet 140162, MedGen C0027672, MeSH D009386, MONDO:0015356.
Hereditary cancer. Identifiers: MedGen C1333600.
Fanconi anemia complementation group J. Also called: BRIP1-Related Fanconi Anemia. Identifiers: Orphanet 84, MedGen C1836860, MONDO:0012187, OMIM 609054.
Familial cancer of breast. Also called: Hereditary breast cancer; BREAST CANCER, FAMILIAL; hereditary breast carcinoma. Identifiers: Orphanet 227535, MedGen C0346153, MONDO:0016419, OMIM 114480. Disease mechanism: loss of function.

Submissions (5):

Labcorp Genetics (formerly Invitae), Labcorp
Classification: Uncertain significance for Familial cancer of breast; Fanconi anemia complementation group J. Last evaluated: 2024-11-13. Review status: criteria provided, single submitter. Criteria: Invitae Variant Classification Sherloc (09022015). Collection method: clinical testing. Allele origin: germline.
Comment: This sequence change replaces aspartic acid, which is acidic and polar, with glycine, which is neutral and non-polar, at codon 1138 of the BRIP1 protein (p.Asp1138Gly). This variant is not present in population databases (gnomAD no frequency). This variant has not been reported in the literature in individuals affected with BRIP1-related conditions. ClinVar contains an entry for this variant (Variation ID: 374030). Invitae Evidence Modeling of protein sequence and biophysical properties (such as structural, functional, and spatial information, amino acid conservation, physicochemical variation, residue mobility, and thermodynamic stability) has been performed for this missense variant. However, the output from this modeling did not meet the statistical confidence thresholds required to predict the impact of this variant on BRIP1 protein function. In summary, the available evidence is currently insufficient to determine the role of this variant in disease. Therefore, it has been classified as a Variant of Uncertain Significance.

Mendelics
Classification: Uncertain significance for Hereditary cancer-predisposing syndrome. Last evaluated: 2024-03-27. Review status: criteria provided, single submitter. Criteria: ACMG Guidelines, 2015. Collection method: clinical testing. Allele origin: unknown.

Ambry Genetics
Classification: Uncertain significance for Hereditary cancer-predisposing syndrome. Last evaluated: 2023-03-05. Review status: criteria provided, single submitter. Criteria: Ambry Variant Classification Scheme 2023. Collection method: clinical testing. Allele origin: germline.
Comment: The p.D1138G variant (also known as c.3413A>G), located in coding exon 19 of the BRIP1 gene, results from an A to G substitution at nucleotide position 3413. The aspartic acid at codon 1138 is replaced by glycine, an amino acid with similar properties. This amino acid position is conserved. In addition, the in silico prediction for this alteration is inconclusive. Since supporting evidence is limited at this time, the clinical significance of this alteration remains unclear.

Centre for Mendelian Genomics, University Medical Centre Ljubljana
Classification: Uncertain significance for Fanconi anemia complementation group J. Last evaluated: 2016-01-01. Review status: criteria provided, single submitter. Criteria: ACMG Guidelines, 2015. Collection method: clinical testing. Allele origin: unknown. Affected: yes.
Comment: This variant was classified as: Uncertain significance.

Centre for Mendelian Genomics, University Medical Centre Ljubljana
Classification: Uncertain significance for Hereditary cancer. Last evaluated: 2015-08-10. Review status: criteria provided, single submitter. Criteria: ACMG Guidelines, 2015. Collection method: clinical testing. Allele origin: unknown. Affected: yes.

NM_032043.3(BRIP1):c.3413A>G (p.Asp1138Gly)

Gene: BRIP1 (BRCA1 interacting DNA helicase 1; minus strand). Cytogenetic location: 17q23.2.
Variant type: single nucleotide variant.
Coding change: c.3413A>G on transcript NM_032043.3 (MANE Select); coding-DNA position 3413, A replaced by G.
Protein change: p.Asp1138Gly; replaces aspartic acid 1138 with glycine.
Molecular consequence: missense variant.
Genome position (GRCh38, 1-based): chr17:61,683,633, T>C on the plus strand (A>G on the coding strand, the complement: BRIP1 is on the minus strand). VCF-style: chr17-61683633-T-C. GRCh37 (hg19) VCF-style: chr17-59760994-T-C.
Other names: short protein forms D1138G.
Identifiers: ClinVar variation 374030 (VCV000374030.16), dbSNP rs1057518847, ClinGen allele CA16043535.